The following is an entry in ClinVar:

ClinVar aggregate classification (germline): Conflicting classifications of pathogenicity. Review status: criteria provided, conflicting classifications (1 of 4 stars). 2 submissions from 2 submitters: Uncertain significance (1); Likely benign (1). Last evaluated 2022-07-07.

Conditions:
Inborn genetic diseases. Identifiers: MedGen C0950123, MeSH D030342.

Allele frequency attached by ClinVar (database versions not stated): ExAC 0.00001; gnomAD exomes 0.00001; gnomAD 0.00006; TOPMed 0.00007; ESP Exome Variant Server 0.00008; 1000 Genomes Project 30x 0.00016; 1000 Genomes Project 0.00020.
gnomAD v4.1: 22 of 1,613,856 alleles (0.0014%); highest among the groups gnomAD compares: African/African-American, 0.012%; no homozygotes.

Submissions (2):

Labcorp Genetics (formerly Invitae), Labcorp
Classification: Uncertain significance. Last evaluated: 2022-07-07. Review status: criteria provided, single submitter. Criteria: Invitae Variant Classification Sherloc (09022015). Collection method: clinical testing. Allele origin: germline.
Comment: This sequence change replaces methionine, which is neutral and non-polar, with valine, which is neutral and non-polar, at codon 306 of the STIL protein (p.Met306Val). This variant is present in population databases (rs372838651, gnomAD 0.02%). This variant has not been reported in the literature in individuals affected with STIL-related conditions. Algorithms developed to predict the effect of missense changes on protein structure and function output the following: SIFT: "Tolerated"; PolyPhen-2: "Benign"; Align-GVGD: "Class C0". The valine amino acid residue is found in multiple mammalian species, which suggests that this missense change does not adversely affect protein function. In summary, the available evidence is currently insufficient to determine the role of this variant in disease. Therefore, it has been classified as a Variant of Uncertain Significance.

Ambry Genetics
Classification: Likely benign for Inborn genetic diseases. Last evaluated: 2021-08-10. Review status: criteria provided, single submitter. Criteria: Ambry Variant Classification Scheme 2023. Collection method: clinical testing. Allele origin: germline.

NM_001048166.1(STIL):c.916A>G (p.Met306Val)

Gene: STIL (STIL centriolar assembly protein; minus strand). Cytogenetic location: 1p33.
Variant type: single nucleotide variant.
Coding change: c.916A>G on transcript NM_001048166.1 (MANE Select); coding-DNA position 916, A replaced by G.
Protein change: p.Met306Val; replaces methionine 306 with valine.
Molecular consequence: missense variant.
Genome position (GRCh38, 1-based): chr1:47,289,542, T>C on the plus strand (A>G on the coding strand, the complement: STIL is on the minus strand). VCF-style: chr1-47289542-T-C. GRCh37 (hg19) VCF-style: chr1-47755214-T-C.
Other names: c.916A>G, p.Met306Val (NM_001282936.1, NM_001282937.1, NM_003035.2); c.775A>G, p.Met259Val (NM_001282938.1, NM_001282939.1, NM_001377417.1); short protein forms M259V, M306V.
Identifiers: ClinVar variation 2058560 (VCV002058560.2), dbSNP rs372838651, ClinGen allele CA842474.
Genomic context (GRCh38, chr1:47,289,542, plus strand): 5'-AGTCAGGTATCTTGCCATCACAAGGGAAGCATTCATAAAACTCAGGTTCCTTATGTGTCA[T>C]AGAATAGAGAACTATGATGAAATTTCCAGATTCTGAAAAAACCCTGCACAAAAAAAGTCA-3'
Protein context (NP_001041631.1, residues 296-316): SGNFIIVLYS[Met306Val]THKEPEFYEC